The following is an entry in ClinVar:

NM_001347721.2(DYRK1A):c.1529C>T (p.Ser510Leu)

Gene: DYRK1A (dual specificity tyrosine phosphorylation regulated kinase 1A; plus strand). Cytogenetic location: 21q22.13.
Variant type: single nucleotide variant.
Coding change: c.1529C>T on transcript NM_001347721.2 (MANE Select); coding-DNA position 1529, C replaced by T.
Protein change: p.Ser510Leu; replaces serine 510 with leucine.
Molecular consequence: missense variant. On other transcripts: intron variant (1).
Genome position (GRCh38, 1-based): chr21:37,506,108, C>T. VCF-style: chr21-37506108-C-T. GRCh37 (hg19) VCF-style: chr21-38878411-C-T.
Other names: c.1529C>T, p.Ser510Leu (NM_001347722.2, NM_130436.2); c.1442C>T, p.Ser481Leu (NM_001347723.2); c.1556C>T, p.Ser519Leu (NM_001396.5, NM_101395.2); c.1546+519C>T (NM_130438.2); short protein forms S519L, S481L, S510L.
Identifiers: ClinVar variation 1046353 (VCV001046353.10), dbSNP rs556482236, ClinGen allele CA10023998.

ClinVar aggregate classification (germline): Conflicting classifications of pathogenicity. Review status: criteria provided, conflicting classifications (1 of 4 stars). 2 submissions from 2 submitters: Uncertain significance (1); Likely benign (1). Last evaluated 2025-06-17.

Conditions:
DYRK1A-related intellectual disability syndrome (MRD7). Also called: DYRK1A Syndrome; Intellectual developmental disorder, autosomal dominant 7. Identifiers: Orphanet 464306, MedGen C5568143, MONDO:0013578, OMIM 614104.

Allele frequency attached by ClinVar (database versions not stated): ExAC 0.00002; gnomAD exomes 0.00002; TOPMed 0.00005; gnomAD 0.00007; 1000 Genomes Project 30x 0.00016; 1000 Genomes Project 0.00020.
gnomAD v4.1: 40 of 1,610,830 alleles (0.0025%); highest among the groups gnomAD compares: Admixed American, 0.0033%; 1 homozygote.

Submissions (2):

Labcorp Genetics (formerly Invitae), Labcorp
Classification: Uncertain significance for DYRK1A-related intellectual disability syndrome. Last evaluated: 2025-06-17. Review status: criteria provided, single submitter. Criteria: Invitae Variant Classification Sherloc (09022015). Collection method: clinical testing. Allele origin: germline.
Comment: This sequence change replaces serine, which is neutral and polar, with leucine, which is neutral and non-polar, at codon 519 of the DYRK1A protein (p.Ser519Leu). This variant is present in population databases (rs556482236, gnomAD 0.01%). This variant has not been reported in the literature in individuals affected with DYRK1A-related conditions. ClinVar contains an entry for this variant (Variation ID: 1046353). Invitae Evidence Modeling of protein sequence and biophysical properties (such as structural, functional, and spatial information, amino acid conservation, physicochemical variation, residue mobility, and thermodynamic stability) indicates that this missense variant is not expected to disrupt DYRK1A protein function with a negative predictive value of 95%. In summary, the available evidence is currently insufficient to determine the role of this variant in disease. Therefore, it has been classified as a Variant of Uncertain Significance.

Blueprint Genetics
Classification: Likely benign. Last evaluated: 2020-09-09. Review status: criteria provided, single submitter. Criteria: ACMG Guidelines, 2015. Collection method: clinical testing. Allele origin: germline.